The following is an entry in ClinVar:

NM_014727.3(KMT2B):c.445C>T (p.Pro149Ser)

Gene: KMT2B (lysine methyltransferase 2B; plus strand). Cytogenetic location: 19q13.12.
Variant type: single nucleotide variant.
Coding change: c.445C>T on transcript NM_014727.3 (MANE Select); coding-DNA position 445, C replaced by T.
Protein change: p.Pro149Ser; replaces proline 149 with serine.
Molecular consequence: missense variant.
Genome position (GRCh38, 1-based): chr19:35,719,792, C>T. VCF-style: chr19-35719792-C-T. GRCh37 (hg19) VCF-style: chr19-36210694-C-T.
Other names: short protein forms P149S.
Identifiers: ClinVar variation 2444745 (VCV002444745.1), dbSNP rs1270556414, ClinGen allele CA405378403.

ClinVar aggregate classification (germline): Uncertain significance (1 of 4 stars; one submission).

Allele frequency attached by ClinVar (database versions not stated): gnomAD exomes below 0.00001; TOPMed below 0.00001.

Submission:

GeneDx
Classification: Uncertain significance. Last evaluated: 2022-09-14. Review status: criteria provided, single submitter. Criteria: GeneDx Variant Classification Process June 2021. Collection method: clinical testing. Allele origin: germline. Affected: yes.
Comment: Not observed at significant frequency in large population cohorts (gnomAD); In silico analysis supports that this missense variant has a deleterious effect on protein structure/function; Located in a region that tolerates variation and lacks pathogenic variants; Has not been previously published as pathogenic or benign to our knowledge